The following is an entry in ClinVar:

NM_000051.4(ATM):c.3601T>G (p.Phe1201Val)

Gene: ATM (ATM serine/threonine kinase; plus strand). Cytogenetic location: 11q22.3.
Variant type: single nucleotide variant.
Coding change: c.3601T>G on transcript NM_000051.4 (MANE Select); coding-DNA position 3601, T replaced by G.
Protein change: p.Phe1201Val; replaces phenylalanine 1201 with valine.
Molecular consequence: missense variant.
Genome position (GRCh38, 1-based): chr11:108,282,734, T>G. VCF-style: chr11-108282734-T-G. GRCh37 (hg19) VCF-style: chr11-108153461-T-G.
Other names: c.3601T>G, p.Phe1201Val (NM_001351834.2); short protein forms F1201V.
Identifiers: ClinVar variation 950081 (VCV000950081.11), dbSNP rs576884305, ClinGen allele CA382522705.
Genomic context (GRCh38, chr11:108,282,734, plus strand): 5'-ATTTTTCTTAACACATTGACTTTTTGGTTCGTGCAGGTTTTAGAGAAAGTTTCTGAAACT[T>G]TTGGATATAGACGTTTAGAAGACTTTATGGCATCTCATTTAGATTATCTGGTTTTGGAAT-3'
Protein context (NP_000042.3, residues 1191-1211): KKVLEKVSET[Phe1201Val]GYRRLEDFMA

ClinVar aggregate classification (germline): Uncertain significance. Review status: criteria provided, multiple submitters, no conflicts (2 of 4 stars). 3 submissions from 3 submitters: Uncertain significance (3). Last evaluated 2026-08-28.

Conditions:
Hereditary cancer-predisposing syndrome. Also called: Neoplastic Syndromes, Hereditary; Hereditary Cancer Syndrome; Tumor predisposition; Hereditary neoplastic syndrome. Identifiers: Orphanet 140162, MedGen C0027672, MeSH D009386, MONDO:0015356.
Ataxia-telangiectasia syndrome (AT). Also called: LOUIS-BAR SYNDROME; AT, COMPLEMENTATION GROUP C; Ataxia telangiectasia (A-T); Cerebello-oculocutaneous telangiectasia; Immunodeficiency with ataxia telangiectasia; Ataxia-telangiectasia. Identifiers: Orphanet 100, MedGen C0004135, MONDO:0008840, OMIM 208900.

gnomAD v4.1: 1 of 1,613,416 alleles (0.000062%); highest among the groups gnomAD compares: Middle Eastern, 0.017%; no homozygotes.

Submissions (3):

Ambry Genetics
Classification: Uncertain significance for Hereditary cancer-predisposing syndrome. Last evaluated: 2026-08-28. Review status: criteria provided, single submitter. Criteria: Ambry Variant Classification Scheme 2023. Collection method: clinical testing. Allele origin: germline.
Comment: The p.F1201V variant (also known as c.3601T>G), located in coding exon 24 of the ATM gene, results from a T to G substitution at nucleotide position 3601. The phenylalanine at codon 1201 is replaced by valine, an amino acid with highly similar properties. In an assay testing ATM function, this variant showed a functionally normal result (Lee KS et al. Cell, 2025 Sep;188:5081-5099.e27). This amino acid position is well conserved in available vertebrate species. In addition, the in silico prediction for this alteration is inconclusive. Based on the available evidence, the clinical significance of this variant remains unclear.

Labcorp Genetics (formerly Invitae), Labcorp
Classification: Uncertain significance for Ataxia-telangiectasia syndrome. Last evaluated: 2025-12-15. Review status: criteria provided, single submitter. Criteria: Invitae Variant Classification Sherloc (09022015). Collection method: clinical testing. Allele origin: germline.
Comment: This sequence change replaces phenylalanine, which is neutral and non-polar, with valine, which is neutral and non-polar, at codon 1201 of the ATM protein (p.Phe1201Val). This variant is not present in population databases (gnomAD no frequency). This variant has not been reported in the literature in individuals affected with ATM-related conditions. ClinVar contains an entry for this variant (Variation ID: 950081). Invitae Evidence Modeling of protein sequence and biophysical properties (such as structural, functional, and spatial information, amino acid conservation, physicochemical variation, residue mobility, and thermodynamic stability) indicates that this missense variant is not expected to disrupt ATM protein function with a negative predictive value of 95%. In summary, the available evidence is currently insufficient to determine the role of this variant in disease. Therefore, it has been classified as a Variant of Uncertain Significance.

GeneDx
Classification: Uncertain significance. Last evaluated: 2024-05-03. Review status: criteria provided, single submitter. Criteria: GeneDx Variant Classification Process June 2021. Collection method: clinical testing. Allele origin: germline. Affected: yes.
Comment: Not observed at significant frequency in large population cohorts (gnomAD); In silico analysis indicates that this missense variant does not alter protein structure/function; Has not been previously published as pathogenic or benign to our knowledge; This variant is associated with the following publications: (PMID: 19781682)

Literature cited by the submitters: PubMed 40580951 (cited by Ambry Genetics).